The following is an entry in ClinVar:

NM_177973.2(SULT2B1):c.592C>T (p.Arg198Trp)

Gene: SULT2B1 (sulfotransferase family 2B member 1; plus strand). Cytogenetic location: 19q13.33.
Variant type: single nucleotide variant.
Coding change: c.592C>T on transcript NM_177973.2 (MANE Select); coding-DNA position 592, C replaced by T.
Protein change: p.Arg198Trp; replaces arginine 198 with tryptophan.
Molecular consequence: missense variant.
Genome position (GRCh38, 1-based): chr19:48,592,763, C>T. VCF-style: chr19-48592763-C-T. GRCh37 (hg19) VCF-style: chr19-49096020-C-T.
Other names: c.547C>T, p.Arg183Trp (NM_004605.2); short protein forms R183W, R198W.
Identifiers: ClinVar variation 2883545 (VCV002883545.3), dbSNP rs544329093, ClinGen allele CA309387084.
Genomic context (GRCh38, chr19:48,592,763, plus strand): 5'-CTTGTCCCTCTGCCCACAGTGCAGTTTGGCTCCTGGTTCGACCACATTAAGGGCTGGCTT[C>T]GGATGAAGGGCAAAGACAACTTCCTATTTATCACCTACGAGGAGCTGCAGCAGGTGAGTC-3'
Protein context (NP_814444.1, residues 188-208): SWFDHIKGWL[Arg198Trp]MKGKDNFLFI

ClinVar aggregate classification (germline): Uncertain significance (1 of 4 stars; one submission).

Allele frequency attached by ClinVar (database versions not stated): gnomAD 0.00002; 1000 Genomes Project 30x 0.00016; 1000 Genomes Project 0.00020.
gnomAD v4.1: 11 of 1,598,100 alleles (0.00069%); highest among the groups gnomAD compares: Admixed American, 0.0052%; no homozygotes.

Submission:

Labcorp Genetics (formerly Invitae), Labcorp
Classification: Uncertain significance. Last evaluated: 2023-08-16. Review status: criteria provided, single submitter. Criteria: Invitae Variant Classification Sherloc (09022015). Collection method: clinical testing. Allele origin: germline.
Comment: This sequence change replaces arginine, which is basic and polar, with tryptophan, which is neutral and slightly polar, at codon 198 of the SULT2B1 protein (p.Arg198Trp). The frequency data for this variant in the population databases is considered unreliable, as metrics indicate poor data quality at this position in the gnomAD database. This variant has not been reported in the literature in individuals affected with SULT2B1-related conditions. Advanced modeling of protein sequence and biophysical properties (such as structural, functional, and spatial information, amino acid conservation, physicochemical variation, residue mobility, and thermodynamic stability) performed at Invitae indicates that this missense variant is not expected to disrupt SULT2B1 protein function. In summary, the available evidence is currently insufficient to determine the role of this variant in disease. Therefore, it has been classified as a Variant of Uncertain Significance.